The following is an entry in ClinVar:

NM_016247.4(IMPG2):c.2875A>G (p.Ile959Val)

Gene: IMPG2 (interphotoreceptor matrix proteoglycan 2; minus strand). Cytogenetic location: 3q12.3.
Variant type: single nucleotide variant.
Coding change: c.2875A>G on transcript NM_016247.4 (MANE Select); coding-DNA position 2875, A replaced by G.
Protein change: p.Ile959Val; replaces isoleucine 959 with valine.
Molecular consequence: missense variant.
Genome position (GRCh38, 1-based): chr3:101,242,835, T>C on the plus strand (A>G on the coding strand, the complement: IMPG2 is on the minus strand). VCF-style: chr3-101242835-T-C. GRCh37 (hg19) VCF-style: chr3-100961679-T-C.
Other names: short protein forms I959V.
Identifiers: ClinVar variation 943461 (VCV000943461.10), dbSNP rs1248045495, ClinGen allele CA353853793.

ClinVar aggregate classification (germline): Uncertain significance. Review status: criteria provided, single submitter (1 of 4 stars). 2 submissions from 2 submitters: Uncertain significance (1). 1 of the submissions does not count toward it. Last evaluated 2022-09-14.

Conditions:
IMPG2-related disorder. Also called: IMPG2-related condition.

Allele frequency attached by ClinVar (database versions not stated): gnomAD 0.00001; gnomAD exomes 0.00001; TOPMed 0.00001.
gnomAD v4.1: 9 of 1,613,970 alleles (0.00056%); highest among the groups gnomAD compares: Admixed American, 0.005%; no homozygotes.

Submissions (2):

Labcorp Genetics (formerly Invitae), Labcorp
Classification: Uncertain significance. Last evaluated: 2022-09-14. Review status: criteria provided, single submitter. Criteria: Invitae Variant Classification Sherloc (09022015). Collection method: clinical testing. Allele origin: germline.
Comment: Advanced modeling of protein sequence and biophysical properties (such as structural, functional, and spatial information, amino acid conservation, physicochemical variation, residue mobility, and thermodynamic stability) performed at Invitae indicates that this missense variant is not expected to disrupt IMPG2 protein function. In summary, the available evidence is currently insufficient to determine the role of this variant in disease. Therefore, it has been classified as a Variant of Uncertain Significance. This sequence change replaces isoleucine, which is neutral and non-polar, with valine, which is neutral and non-polar, at codon 959 of the IMPG2 protein (p.Ile959Val). This variant is present in population databases (no rsID available, gnomAD 0.009%). This variant has not been reported in the literature in individuals affected with IMPG2-related conditions. ClinVar contains an entry for this variant (Variation ID: 943461).

PreventionGenetics, part of Exact Sciences
Classification: Uncertain significance for IMPG2-related condition. Last evaluated: 2024-08-29. Review status: no assertion criteria provided. Collection method: clinical testing. Allele origin: germline. Not counted in ClinVar's aggregate classification.
Comment: The IMPG2 c.2875A>G variant is predicted to result in the amino acid substitution p.Ile959Val. To our knowledge, this variant has not been reported in the literature. This variant is reported in 0.0058% of alleles in individuals of Latino descent in gnomAD. At this time, the clinical significance of this variant is uncertain due to the absence of conclusive functional and genetic evidence.